The following is an entry in ClinVar:

ClinVar aggregate classification (germline): Uncertain significance (1 of 4 stars; one submission).

Submission:

GeneDx
Classification: Uncertain significance. Last evaluated: 2019-06-28. Review status: criteria provided, single submitter. Criteria: GeneDx Variant Classification Process June 2021. Collection method: clinical testing. Allele origin: germline. Affected: yes.
Comment: Not observed in large population cohorts (Lek et al., 2016); In-frame duplication of 1 amino acid in a non-repeat region; Has not been previously published as pathogenic or benign to our knowledge

NM_001184880.2(PCDH19):c.997_999dup (p.Thr333dup)

Gene: PCDH19 (protocadherin 19; minus strand). Cytogenetic location: Xq22.1.
Variant type: Duplication.
Coding change: c.997_999dup on transcript NM_001184880.2 (MANE Select); coding-DNA positions 997 to 999, 3 bases duplicated (ACC; older notation c.997_999dupACC).
Protein change: p.Thr333dup; duplicates threonine 333.
Molecular consequence: inframe insertion.
Genome position (GRCh38, 1-based): chrX:100,407,599-100,407,601, GGT duplicated on the plus strand (ACC on the coding strand, the reverse complement: PCDH19 is on the minus strand); duplicating any 3 consecutive bases within chrX:100,407,599-100,407,602 gives the same sequence; the c. name uses the placement nearest the transcript's 3' end. VCF-style (leftmost placement, unchanged base first): chrX-100407598-C-CGGT. GRCh37 (hg19) VCF-style: chrX-99662596-C-CGGT.
Other names: c.997_999dup, p.Thr333dup (NM_001105243.2, NM_020766.3).
Identifiers: ClinVar variation 1306836 (VCV001306836.2), dbSNP rs2147540004, ClinGen allele CA2573055042.
Genomic context (GRCh38, chrX:100,407,598, plus strand): 5'-CACTGTTGACTGACAGCAGGTTGATGACCGGCGGATTGTCATTGGTGTCCAGCACGCTGA[C>CGGT]GGTGACCTTGCAGTGTGCCGGGATGGAATTGGGCCCCAAGTCCTTAGCCTGCACGTCCAG-3'